The following is an entry in ClinVar:

ClinVar aggregate classification (germline): Uncertain significance. Review status: criteria provided, multiple submitters, no conflicts (2 of 4 stars). 2 submissions from 2 submitters: Uncertain significance (2). Last evaluated 2025-08-22.

Allele frequency attached by ClinVar (database versions not stated): ESP Exome Variant Server 0.00008; 1000 Genomes Project 30x 0.00016; 1000 Genomes Project 0.00020; TOPMed 0.00002; ExAC 0.00002; gnomAD exomes 0.00004.
gnomAD v4.1: 66 of 1,614,038 alleles (0.0041%); highest among the groups gnomAD compares: Non-Finnish European, 0.0055%; no homozygotes.

Submissions (2):

Labcorp Genetics (formerly Invitae), Labcorp
Classification: Uncertain significance. Last evaluated: 2025-08-22. Review status: criteria provided, single submitter. Criteria: Invitae Variant Classification Sherloc (09022015). Collection method: clinical testing. Allele origin: germline.
Comment: This sequence change replaces aspartic acid, which is acidic and polar, with glutamic acid, which is acidic and polar, at codon 420 of the CRAT protein (p.Asp420Glu). This variant is present in population databases (rs201109466, gnomAD 0.006%). This variant has not been reported in the literature in individuals affected with CRAT-related conditions. ClinVar contains an entry for this variant (Variation ID: 2487947). Invitae Evidence Modeling of protein sequence and biophysical properties (such as structural, functional, and spatial information, amino acid conservation, physicochemical variation, residue mobility, and thermodynamic stability) indicates that this missense variant is not expected to disrupt CRAT protein function with a negative predictive value of 80%. In summary, the available evidence is currently insufficient to determine the role of this variant in disease. Therefore, it has been classified as a Variant of Uncertain Significance.

Ambry Genetics
Classification: Uncertain significance. Last evaluated: 2023-02-23. Review status: criteria provided, single submitter. Criteria: Ambry Variant Classification Scheme 2023. Collection method: clinical testing. Allele origin: germline.

NM_000755.5(CRAT):c.1260C>A (p.Asp420Glu)

Gene: CRAT (carnitine O-acetyltransferase; minus strand). Cytogenetic location: 9q34.11.
Variant type: single nucleotide variant.
Coding change: c.1260C>A on transcript NM_000755.5 (MANE Select); coding-DNA position 1260, C replaced by A.
Protein change: p.Asp420Glu; replaces aspartic acid 420 with glutamic acid.
Molecular consequence: missense variant.
Genome position (GRCh38, 1-based): chr9:129,098,317, G>T on the plus strand (C>A on the coding strand, the complement: CRAT is on the minus strand). VCF-style: chr9-129098317-G-T. GRCh37 (hg19) VCF-style: chr9-131860596-G-T.
Other names: c.1197C>A, p.Asp399Glu (NM_001257363.3, NM_001346548.2, NM_004003.4); c.1263C>A, p.Asp421Glu (NM_001346546.2); c.1260C>A, p.Asp420Glu (NM_001346547.2); c.1140C>A, p.Asp380Glu (NM_001346549.2); short protein forms D399E, D380E, D421E, D420E.
Identifiers: ClinVar variation 2487947 (VCV002487947.4), dbSNP rs201109466, ClinGen allele CA5275433.